The following is an entry in ClinVar:

ClinVar aggregate classification (germline): Pathogenic (1 of 4 stars; one submission).

Conditions:
RAPSN-related disorder. Also called: RAPSN-related condition; RAPSN-related disorders. Identifiers: MedGen CN239397.

Submission:

Myriad Genetics, Inc.
Classification: Pathogenic for RAPSN-related disorder. Last evaluated: 2023-09-27. Review status: criteria provided, single submitter. Criteria: Myriad Autosomal Dominant, Autosomal Recessive and X-Linked Classification Criteria (2023). Collection method: clinical testing. Allele origin: unknown.
Comment: NM_005055.4(RAPSN):c.648dupT(R217Sfs*14) is expected to be pathogenic in the context of RAPSN-related disorders. This variant is predicted to lead to an abnormal or absent protein product due to the creation of a premature termination codon in RAPSN, a gene where loss-of-function variants are known to be pathogenic. Please note: this variant was assessed in the context of healthy population screening.

NM_005055.5(RAPSN):c.648dup (p.Arg217fs)

Gene: RAPSN (receptor associated protein of the synapse; minus strand). Cytogenetic location: 11p11.2.
Variant type: Duplication.
Coding change: c.648dup on transcript NM_005055.5 (MANE Select); coding-DNA position 648, one base duplicated (T; older notation c.648dupT).
Protein change: p.Arg217fs; shifts the reading frame from arginine 217.
Molecular consequence: frameshift variant. On other transcripts: intron variant (4).
Genome position (GRCh38, 1-based): chr11:47,442,698, A duplicated on the plus strand (T on the coding strand, the reverse complement: RAPSN is on the minus strand). VCF-style (leftmost placement, unchanged base first): chr11-47442697-G-GA. GRCh37 (hg19) VCF-style: chr11-47464249-G-GA.
Other names: c.532-777dup (NM_001440499.1, NM_001440503.1, NM_001440493.1 and 1 more transcripts); c.648dup, p.Arg217fs (NM_001440490.1, NM_001440491.1, NM_001440492.1 and 8 more transcripts); c.309dup, p.Arg104fs (NM_001440504.1); short protein forms R104fs, R217fs.
Identifiers: ClinVar variation 5012086 (VCV005012086.1).